The following is an entry in ClinVar:

ClinVar aggregate classification (germline): Likely benign (1 of 4 stars; one submission).

Conditions:
PKD1L1-related disorder. Also called: PKD1L1-related condition.

gnomAD v4.1: 13 of 1,613,868 alleles (0.00081%); highest among the groups gnomAD compares: Admixed American, 0.015%; no homozygotes.

Submission:

PreventionGenetics, part of Exact Sciences
Classification: Likely benign for PKD1L1-related condition. Last evaluated: 2026-01-02. Review status: criteria provided, single submitter. Criteria: ACMG Guidelines, 2015. Collection method: clinical testing. Allele origin: germline.
Comment: This variant is classified as likely benign based on ACMG/AMP sequence variant interpretation guidelines (Richards et al. 2015 PMID: 25741868, with internal and published modifications).

NM_138295.5(PKD1L1):c.6144A>G (p.Gly2048=)

Gene: PKD1L1 (polycystin 1 like 1, transient receptor potential channel interacting; minus strand). Cytogenetic location: 7p12.3.
Variant type: single nucleotide variant.
Coding change: c.6144A>G on transcript NM_138295.5 (MANE Select); coding-DNA position 6144, A replaced by G.
Protein change: p.Gly2048=; no amino-acid change (glycine 2048 retained).
Molecular consequence: synonymous variant.
Genome position (GRCh38, 1-based): chr7:47,834,369, T>C on the plus strand (A>G on the coding strand, the complement: PKD1L1 is on the minus strand). VCF-style: chr7-47834369-T-C. GRCh37 (hg19) VCF-style: chr7-47873967-T-C.
Identifiers: ClinVar variation 4979919 (VCV004979919.1).
Genomic context (GRCh38, chr7:47,834,369, plus strand): 5'-ATTAGCTGCTGCGCATAATGATTGATTTACCTTGCGTGGCTCCTGTGCGTCTGGTATCCT[T>C]CCCCAGGAATTAGGACCTGATTCAAAAAAATAAAAATCCAATGTACGATGCTTTGGGGTG-3'
Protein context (NP_612152.1, residues 2038-2058): TEAPHGPNSW[Gly2048=]RIPDAQEPRK